The following is an entry in ClinVar:

ClinVar aggregate classification (germline): Uncertain significance (1 of 4 stars; one submission).

Submission:

Labcorp Genetics (formerly Invitae), Labcorp
Classification: Uncertain significance. Last evaluated: 2024-08-30. Review status: criteria provided, single submitter. Criteria: Invitae Variant Classification Sherloc (09022015). Collection method: clinical testing. Allele origin: germline.
Comment: This sequence change replaces alanine, which is neutral and non-polar, with valine, which is neutral and non-polar, at codon 42 of the UNC45A protein (p.Ala42Val). This variant is not present in population databases (gnomAD no frequency). This variant has not been reported in the literature in individuals affected with UNC45A-related conditions. Invitae Evidence Modeling of protein sequence and biophysical properties (such as structural, functional, and spatial information, amino acid conservation, physicochemical variation, residue mobility, and thermodynamic stability) indicates that this missense variant is not expected to disrupt UNC45A protein function with a negative predictive value of 80%. In summary, the available evidence is currently insufficient to determine the role of this variant in disease. Therefore, it has been classified as a Variant of Uncertain Significance.

NM_018671.5(UNC45A):c.125C>T (p.Ala42Val)

Gene: UNC45A (unc-45 myosin chaperone A; plus strand). Cytogenetic location: 15q26.1.
Variant type: single nucleotide variant.
Coding change: c.125C>T on transcript NM_018671.5 (MANE Select); coding-DNA position 125, C replaced by T.
Protein change: p.Ala42Val; replaces alanine 42 with valine.
Molecular consequence: missense variant. On other transcripts: 5 prime UTR variant (1).
Genome position (GRCh38, 1-based): chr15:90,935,617, C>T. VCF-style: chr15-90935617-C-T. GRCh37 (hg19) VCF-style: chr15-91478847-C-T.
Other names: c.80C>T, p.Ala27Val (NM_001039675.2, NM_001323621.2); c.125C>T, p.Ala42Val (NM_001323619.1); c.-459C>T (NM_001323620.2); short protein forms A42V, A27V.
Identifiers: ClinVar variation 3652712 (VCV003652712.2).